The following is an entry in ClinVar:

NM_002900.3(RBP3):c.1064C>A (p.Ala355Asp)

Gene: RBP3 (retinol binding protein 3; plus strand). Cytogenetic location: 10q11.22.
Variant type: single nucleotide variant.
Coding change: c.1064C>A on transcript NM_002900.3 (MANE Select); coding-DNA position 1064, C replaced by A.
Protein change: p.Ala355Asp; replaces alanine 355 with aspartic acid.
Molecular consequence: missense variant.
Genome position (GRCh38, 1-based): chr10:47,349,548, C>A. VCF-style: chr10-47349548-C-A. GRCh37 (hg19) VCF-style: chr10-48389814-G-T.
Other names: short protein forms A355D.
Identifiers: ClinVar variation 1058803 (VCV001058803.10), dbSNP rs782025482, ClinGen allele CA5487617.
Genomic context (GRCh38, chr10:47,349,548, plus strand): 5'-AGGTCCTGAAGGACTACTACACGCTGGTGGACCGTGTGCCCACCCTGCTGCAGCACTTGG[C>A]CAGCATGGACTTCTCCACGGTGGTCTCCGAGGAAGATCTGGTCACCAAGCTCAATGCCGG-3'
Protein context (NP_002891.1, residues 345-365): DRVPTLLQHL[Ala355Asp]SMDFSTVVSE

ClinVar aggregate classification (germline): Uncertain significance. Review status: criteria provided, multiple submitters, no conflicts (2 of 4 stars). 2 submissions from 2 submitters: Uncertain significance (2). Last evaluated 2024-09-05.

Allele frequency attached by ClinVar (database versions not stated): ExAC 0.00001; gnomAD 0.00001; TOPMed 0.00001; gnomAD exomes 0.00002.
gnomAD v4.1: 34 of 1,612,886 alleles (0.0021%); highest among the groups gnomAD compares: African/African-American, 0.0027%; no homozygotes.

Submissions (2):

Blueprint Genetics
Classification: Uncertain significance. Last evaluated: 2024-09-05. Review status: criteria provided, single submitter. Criteria: ACMG Guidelines, 2015. Collection method: clinical testing. Allele origin: germline.

Labcorp Genetics (formerly Invitae), Labcorp
Classification: Uncertain significance. Last evaluated: 2022-05-17. Review status: criteria provided, single submitter. Criteria: Invitae Variant Classification Sherloc (09022015). Collection method: clinical testing. Allele origin: germline.
Comment: This variant has not been reported in the literature in individuals affected with RBP3-related conditions. This sequence change replaces alanine, which is neutral and non-polar, with aspartic acid, which is acidic and polar, at codon 355 of the RBP3 protein (p.Ala355Asp). This variant is present in population databases (rs782025482, gnomAD 0.007%). ClinVar contains an entry for this variant (Variation ID: 1058803). Algorithms developed to predict the effect of missense changes on protein structure and function are either unavailable or do not agree on the potential impact of this missense change (SIFT: "Tolerated"; PolyPhen-2: "Probably Damaging"; Align-GVGD: "Class C0"). In summary, the available evidence is currently insufficient to determine the role of this variant in disease. Therefore, it has been classified as a Variant of Uncertain Significance.